The following is an entry in ClinVar:

ClinVar aggregate classification (germline): Uncertain significance (1 of 4 stars; one submission).

Conditions:
Cardiovascular phenotype. Identifiers: MedGen CN230736.

Submission:

Ambry Genetics
Classification: Uncertain significance for Cardiovascular phenotype. Last evaluated: 2025-04-16. Review status: criteria provided, single submitter. Criteria: Ambry Variant Classification Scheme 2023. Collection method: clinical testing. Allele origin: germline.
Comment: The c.42217+2T>A intronic variant results from a T to A substitution two nucleotides after coding exon 151 in the TTN gene. This exon is located in the A-band region of the N2-B isoform of the titin protein and is constitutively expressed in TTN transcripts (percent spliced in or PSI 100%). This variant was reported in individual(s) with features consistent with dilated cardiomyopathy (Ambry internal data). This nucleotide position is highly conserved in available vertebrate species. In silico splice site analysis predicts that this alteration will weaken the native splice donor site and may result in the creation or strengthening of a novel splice donor site. This variant disrupts the canonical splice site and is expected to cause aberrant splicing. However, although direct evidence is unavailable, this alteration is predicted to result in an in-frame transcript that is not expected to trigger nonsense-mediated mRNA decay. The exact functional effect of the predicted splice impact is unknown. Based on the available evidence, the clinical significance of this variant remains unclear.

NM_001267550.2(TTN):c.69412+2T>A

Genes: TTN (titin; minus strand), TTN-AS1 (TTN antisense RNA 1; plus strand). Cytogenetic location: 2q31.2.
Variant type: single nucleotide variant.
Coding change: c.69412+2T>A on transcript NM_001267550.2 (MANE Select); the canonical splice donor site of the intron after coding-DNA position 69412, T replaced by A.
Molecular consequence: splice donor variant.
Genome position (GRCh38, 1-based): chr2:178,576,921, A>T on the plus strand (T>A on the coding strand, the complement: TTN is on the minus strand). VCF-style: chr2-178576921-A-T. GRCh37 (hg19) VCF-style: chr2-179441648-A-T.
Other names: c.42217+2T>A (NM_003319.4); c.42793+2T>A (NM_133437.4); c.42592+2T>A (NM_133432.3); c.61708+2T>A (NM_133378.4); c.64489+2T>A (NM_001256850.1).
Identifiers: ClinVar variation 3975769 (VCV003975769.1).